The following is an entry in ClinVar:

NM_182746.3(MCM4):c.1378G>A (p.Glu460Lys)

Gene: MCM4 (minichromosome maintenance complex component 4; plus strand). Cytogenetic location: 8q11.21.
Variant type: single nucleotide variant.
Coding change: c.1378G>A on transcript NM_182746.3 (MANE Select); coding-DNA position 1378, G replaced by A.
Protein change: p.Glu460Lys; replaces glutamic acid 460 with lysine.
Molecular consequence: missense variant.
Genome position (GRCh38, 1-based): chr8:47,970,001, G>A. VCF-style: chr8-47970001-G-A. GRCh37 (hg19) VCF-style: chr8-48882561-G-A.
Other names: c.1378G>A, p.Glu460Lys (NM_005914.4); c.1378G>A (NM_005914.3); short protein forms E460K.
Identifiers: ClinVar variation 1389894 (VCV001389894.4), dbSNP rs148209200, ClinGen allele CA4742599.

ClinVar aggregate classification (germline): Uncertain significance. Review status: criteria provided, multiple submitters, no conflicts (2 of 4 stars). 2 submissions from 2 submitters: Uncertain significance (2). Last evaluated 2022-11-02.

Allele frequency attached by ClinVar (database versions not stated): gnomAD 0.00019 and 0.00021; TOPMed 0.00019; ESP Exome Variant Server 0.00038.
gnomAD v4.1: 415 of 1,614,108 alleles (0.026%); highest among the groups gnomAD compares: Non-Finnish European, 0.032%; no homozygotes.

Submissions (2):

Labcorp Genetics (formerly Invitae), Labcorp
Classification: Uncertain significance. Last evaluated: 2022-11-02. Review status: criteria provided, single submitter. Criteria: Invitae Variant Classification Sherloc (09022015). Collection method: clinical testing. Allele origin: germline.
Comment: This sequence change replaces glutamic acid, which is acidic and polar, with lysine, which is basic and polar, at codon 460 of the MCM4 protein (p.Glu460Lys). This variant is present in population databases (rs148209200, gnomAD 0.02%). This variant has not been reported in the literature in individuals affected with MCM4-related conditions. ClinVar contains an entry for this variant (Variation ID: 1389894). Advanced modeling of protein sequence and biophysical properties (such as structural, functional, and spatial information, amino acid conservation, physicochemical variation, residue mobility, and thermodynamic stability) performed at Invitae indicates that this missense variant is not expected to disrupt MCM4 protein function. In summary, the available evidence is currently insufficient to determine the role of this variant in disease. Therefore, it has been classified as a Variant of Uncertain Significance.

Ambry Genetics
Classification: Uncertain significance. Last evaluated: 2021-06-11. Review status: criteria provided, single submitter. Criteria: Ambry Variant Classification Scheme 2023. Collection method: clinical testing. Allele origin: germline.